The following is an entry in ClinVar:

ClinVar aggregate classification (germline): Uncertain significance. Review status: criteria provided, multiple submitters, no conflicts (2 of 4 stars). 2 submissions from 2 submitters: Uncertain significance (2). Last evaluated 2021-08-05.

Conditions:
Cardiovascular phenotype. Identifiers: MedGen CN230736.

Submissions (2):

Revvity Omics, Revvity
Classification: Uncertain significance. Last evaluated: 2021-08-05. Review status: criteria provided, single submitter. Criteria: ACMG Guidelines, 2015. Collection method: clinical testing. Allele origin: germline.

Ambry Genetics
Classification: Uncertain significance for Cardiovascular phenotype. Last evaluated: 2013-07-30. Review status: criteria provided, single submitter. Criteria: Ambry Autosomal Dominant and X-Linked criteria (10/2015). Collection method: clinical testing. Allele origin: germline. Observed: 1 variant allele.
Comment: Ã¢â‚¬â€¹The c.67747_67749del variant (also known as p.E22583del) is located in coding exon 274 of the TTN gene. This variant results from an in-frame GAG deletion between nucleotide positions 67747 and 67749. This results in the deletion of a glutamic acid residue at codon 22583. This variant was not reported in population-based cohorts in the following databases: Database of Single Nucleotide Polymorphisms (dbSNP), the 1000 Genomes Project and the NHLBI Exome Sequencing Project (ESP). In the ESP, this variant was not observed in greater than 6030 samples (12060 alleles) with coverage at this position. Since supporting evidence is limited at this time, the clinical significance of this variant remains unclear.

NM_001267550.2(TTN):c.75451_75453del (p.Glu25151del)

Genes: TTN (titin; minus strand), TTN-AS1 (TTN antisense RNA 1; plus strand). Cytogenetic location: 2q31.2.
Variant type: Deletion.
Coding change: c.75451_75453del on transcript NM_001267550.2 (MANE Select); coding-DNA positions 75451 to 75453, 3 bases deleted (GAG; older notation c.75451_75453delGAG).
Protein change: p.Glu25151del; deletes glutamic acid 25151.
Molecular consequence: inframe deletion.
Genome position (GRCh38, 1-based): chr2:178,570,679-178,570,681, CTC deleted on the plus strand (GAG on the coding strand, the reverse complement: TTN is on the minus strand); deleting any 3 consecutive bases within chr2:178,570,679-178,570,683 gives the same sequence; the c. name uses the placement nearest the transcript's 3' end. VCF-style (leftmost placement, unchanged base first): chr2-178570678-GCTC-G. GRCh37 (hg19) VCF-style: chr2-179435405-GCTC-G.
Other names: c.70528_70530del, p.Glu23510del (NM_001256850.1); c.48256_48258del, p.Glu16086del (NM_003319.4); c.67747_67749del, p.Glu22583del (NM_133378.4); c.48631_48633del, p.Glu16211del (NM_133432.3); c.48832_48834del, p.Glu16278del (NM_133437.4); short protein forms E22583del, E25151del, E16086del, E16278del, E16211del, E23510del.
Identifiers: ClinVar variation 263675 (VCV000263675.6), dbSNP rs886038885, ClinGen allele CA10587480.
Genomic context (GRCh38, chr2:178,570,678, plus strand): 5'-TTACACTGAGACTGGTGGCAAAGTCGGTGCTCTTTATTTCTAATCGAGCTGTGTTTGAAA[GCTC>G]CTGATCACCTTTTATCCACTGAATGGTTGGTATTGGTTTGCCATAAATATCTGCATCAAC-3'